The following is an entry in ClinVar:

ClinVar aggregate classification (germline): Likely benign. Review status: criteria provided, multiple submitters, no conflicts (2 of 4 stars). 2 submissions from 2 submitters: Likely benign (2). Last evaluated 2025-12-15.

Conditions:
RAI1-related disorder. Also called: RAI1-related condition.

gnomAD v4.1: 1 of 1,613,990 alleles (0.000062%); no homozygotes.

Submissions (2):

PreventionGenetics, part of Exact Sciences
Classification: Likely benign for RAI1-related condition. Last evaluated: 2025-12-15. Review status: criteria provided, single submitter. Criteria: ACMG Guidelines, 2015. Collection method: clinical testing. Allele origin: germline.
Comment: This variant is classified as likely benign based on ACMG/AMP sequence variant interpretation guidelines (Richards et al. 2015 PMID: 25741868, with internal and published modifications).

Labcorp Genetics (formerly Invitae), Labcorp
Classification: Likely benign. Last evaluated: 2024-11-27. Review status: criteria provided, single submitter. Criteria: Invitae Variant Classification Sherloc (09022015). Collection method: clinical testing. Allele origin: germline.

NM_030665.4(RAI1):c.2268C>T (p.Pro756=)

Gene: RAI1 (retinoic acid induced 1; plus strand). Cytogenetic location: 17p11.2.
Variant type: single nucleotide variant.
Coding change: c.2268C>T on transcript NM_030665.4 (MANE Select); coding-DNA position 2268, C replaced by T.
Protein change: p.Pro756=; no amino-acid change (proline 756 retained).
Molecular consequence: synonymous variant.
Genome position (GRCh38, 1-based): chr17:17,795,216, C>T. VCF-style: chr17-17795216-C-T. GRCh37 (hg19) VCF-style: chr17-17698530-C-T.
Other names: c.2268C>T (NM_030665.3).
Identifiers: ClinVar variation 3717529 (VCV003717529.3).